The following is an entry in ClinVar:

NM_005263.5(GFI1):c.911C>T (p.Ala304Val)

Gene: GFI1 (growth factor independent 1 transcriptional repressor; minus strand). Cytogenetic location: 1p22.1.
Variant type: single nucleotide variant.
Coding change: c.911C>T on transcript NM_005263.5 (MANE Select); coding-DNA position 911, C replaced by T.
Protein change: p.Ala304Val; replaces alanine 304 with valine.
Molecular consequence: missense variant.
Genome position (GRCh38, 1-based): chr1:92,480,361, G>A on the plus strand (C>T on the coding strand, the complement: GFI1 is on the minus strand). VCF-style: chr1-92480361-G-A. GRCh37 (hg19) VCF-style: chr1-92945918-G-A.
Other names: c.911C>T, p.Ala304Val (NM_001127215.3, NM_001127216.3); short protein forms A304V.
Identifiers: ClinVar variation 3519810 (VCV003519810.3).

ClinVar aggregate classification (germline): Uncertain significance. Review status: criteria provided, multiple submitters, no conflicts (2 of 4 stars). 2 submissions from 2 submitters: Uncertain significance (2). Last evaluated 2025-01-08.

Conditions:
Neutropenia, severe congenital, 2, autosomal dominant. Identifiers: Orphanet 486, MedGen C2751288, MONDO:0013139, OMIM 613107.

gnomAD v4.1: 1 of 1,549,844 alleles (0.000065%); highest among the groups gnomAD compares: East Asian, 0.0024%; no homozygotes.

Submissions (2):

Labcorp Genetics (formerly Invitae), Labcorp
Classification: Uncertain significance for Neutropenia, severe congenital, 2, autosomal dominant. Last evaluated: 2025-01-08. Review status: criteria provided, single submitter. Criteria: Invitae Variant Classification Sherloc (09022015). Collection method: clinical testing. Allele origin: germline.
Comment: This sequence change replaces alanine, which is neutral and non-polar, with valine, which is neutral and non-polar, at codon 304 of the GFI1 protein (p.Ala304Val). This variant is not present in population databases (gnomAD no frequency). This variant has not been reported in the literature in individuals affected with GFI1-related conditions. Invitae Evidence Modeling of protein sequence and biophysical properties (such as structural, functional, and spatial information, amino acid conservation, physicochemical variation, residue mobility, and thermodynamic stability) indicates that this missense variant is not expected to disrupt GFI1 protein function with a negative predictive value of 80%. In summary, the available evidence is currently insufficient to determine the role of this variant in disease. Therefore, it has been classified as a Variant of Uncertain Significance.

Ambry Genetics
Classification: Uncertain significance. Last evaluated: 2024-11-18. Review status: criteria provided, single submitter. Criteria: Ambry Variant Classification Scheme 2023. Collection method: clinical testing. Allele origin: germline.
Comment: The p.A304V variant (also known as c.911C>T), located in coding exon 4 of the GFI1 gene, results from a C to T substitution at nucleotide position 911. The alanine at codon 304 is replaced by valine, an amino acid with similar properties. This amino acid position is conserved. In addition, this alteration is predicted to be tolerated by in silico analysis. Based on the available evidence, the clinical significance of this variant remains unclear.